The following is an entry in ClinVar:

ClinVar aggregate classification (germline): Uncertain significance (1 of 4 stars; one submission).

Allele frequency attached by ClinVar (database versions not stated): gnomAD exomes 0.00001; ExAC 0.00002; 1000 Genomes Project 30x 0.00031; 1000 Genomes Project 0.00040.
gnomAD v4.1: 12 of 1,577,606 alleles (0.00076%); highest among the groups gnomAD compares: East Asian, 0.018%; no homozygotes.

Submission:

Labcorp Genetics (formerly Invitae), Labcorp
Classification: Uncertain significance. Last evaluated: 2025-04-28. Review status: criteria provided, single submitter. Criteria: Invitae Variant Classification Sherloc (09022015). Collection method: clinical testing. Allele origin: germline.
Comment: This sequence change falls in intron 17 of the NUP133 gene. It does not directly change the encoded amino acid sequence of the NUP133 protein. It affects a nucleotide within the consensus splice site. This variant is present in population databases (rs535481212, gnomAD 0.03%). This variant has not been reported in the literature in individuals affected with NUP133-related conditions. ClinVar contains an entry for this variant (Variation ID: 2192928). Variants that disrupt the consensus splice site are a relatively common cause of aberrant splicing (PMID: 17576681, 9536098). Algorithms developed to predict the effect of sequence changes on RNA splicing suggest that this variant is not likely to affect RNA splicing. In summary, the available evidence is currently insufficient to determine the role of this variant in disease. Therefore, it has been classified as a Variant of Uncertain Significance.

Literature cited by the submitters: PubMed 17576681; PubMed 9536098.

NM_018230.3(NUP133):c.2299+5T>C

Gene: NUP133 (nucleoporin 133; minus strand). Cytogenetic location: 1q42.13.
Variant type: single nucleotide variant.
Coding change: c.2299+5T>C on transcript NM_018230.3 (MANE Select); 5 bases into the intron after coding-DNA position 2299, T replaced by C.
Molecular consequence: intron variant.
Genome position (GRCh38, 1-based): chr1:229,465,415, A>G on the plus strand (T>C on the coding strand, the complement: NUP133 is on the minus strand). VCF-style: chr1-229465415-A-G. GRCh37 (hg19) VCF-style: chr1-229601162-A-G.
Identifiers: ClinVar variation 2192928 (VCV002192928.4), dbSNP rs535481212, ClinGen allele CA1443323.
Genomic context (GRCh38, chr1:229,465,415, plus strand): 5'-ACTTCTAAAAATGATGGGTCATTAGAAATATATTTTGAACAACTGTTAATAAATCAGTAT[A>G]TTACCCGTCCATGGAACATATTCAGGTTCTTTTTCTAGTGATTCTTCTCTTCTATACAAA-3'